The following is an entry in ClinVar:

ClinVar aggregate classification (germline): Uncertain significance (1 of 4 stars; one submission).

Conditions:
Immunodeficiency 39 (IMD39). Identifiers: Orphanet 574918, MedGen C4225358, MONDO:0014597, OMIM 616345.

gnomAD v4.1: 7 of 1,568,006 alleles (0.00045%); highest among the groups gnomAD compares: Non-Finnish European, 0.00052%; no homozygotes.

Submission:

Labcorp Genetics (formerly Invitae), Labcorp
Classification: Uncertain significance for Immunodeficiency 39. Last evaluated: 2025-12-29. Review status: criteria provided, single submitter. Criteria: Invitae Variant Classification Sherloc (09022015). Collection method: clinical testing. Allele origin: germline.
Comment: This sequence change replaces glutamic acid, which is acidic and polar, with lysine, which is basic and polar, at codon 95 of the IRF7 protein (p.Glu95Lys). The frequency data for this variant in the population databases is considered unreliable, as metrics indicate poor data quality at this position in the gnomAD database. This variant has not been reported in the literature in individuals affected with IRF7-related conditions. An algorithm developed to predict the effect of missense changes on protein structure and function (PolyPhen-2) suggests that this variant is likely to be tolerated. In summary, the available evidence is currently insufficient to determine the role of this variant in disease. Therefore, it has been classified as a Variant of Uncertain Significance.

NM_001572.5(IRF7):c.244G>A (p.Glu82Lys)

Gene: IRF7 (interferon regulatory factor 7; minus strand). Cytogenetic location: 11p15.5.
Variant type: single nucleotide variant.
Coding change: c.244G>A on transcript NM_001572.5 (MANE Select); coding-DNA position 244, G replaced by A.
Protein change: p.Glu82Lys; replaces glutamic acid 82 with lysine.
Molecular consequence: missense variant.
Genome position (GRCh38, 1-based): chr11:614,947, C>T on the plus strand (G>A on the coding strand, the complement: IRF7 is on the minus strand). VCF-style: chr11-614947-C-T. GRCh37 (hg19) VCF-style: chr11-614947-C-T.
Other names: c.283G>A, p.Glu95Lys (NM_001440440.1, NM_001440444.1, NM_004031.4); c.244G>A, p.Glu82Lys (NM_001440442.1, NM_001440445.1, NM_001440446.1 and 1 more transcripts); short protein forms E95K, E82K.
Identifiers: ClinVar variation 4746403 (VCV004746403.1).